The following is an entry in ClinVar:

ClinVar aggregate classification (germline): Uncertain significance (1 of 4 stars; one submission).

Conditions:
EGFR-related lung cancer (EGFR). Identifiers: MedGen CN130014.

Submission:

Labcorp Genetics (formerly Invitae), Labcorp
Classification: Uncertain significance for EGFR-related lung cancer. Last evaluated: 2024-04-06. Review status: criteria provided, single submitter. Criteria: Invitae Variant Classification Sherloc (09022015). Collection method: clinical testing. Allele origin: germline.
Comment: This sequence change replaces arginine, which is basic and polar, with serine, which is neutral and polar, at codon 108 of the EGFR protein (p.Arg108Ser). This variant is not present in population databases (gnomAD no frequency). This variant has not been reported in the literature in individuals affected with EGFR-related conditions. Advanced modeling of protein sequence and biophysical properties (such as structural, functional, and spatial information, amino acid conservation, physicochemical variation, residue mobility, and thermodynamic stability) performed at Invitae indicates that this missense variant is expected to disrupt EGFR protein function with a positive predictive value of 80%. In summary, the available evidence is currently insufficient to determine the role of this variant in disease. Therefore, it has been classified as a Variant of Uncertain Significance.

NM_005228.5(EGFR):c.324A>T (p.Arg108Ser)

Gene: EGFR (epidermal growth factor receptor; plus strand). Cytogenetic location: 7p11.2.
Variant type: single nucleotide variant.
Coding change: c.324A>T on transcript NM_005228.5 (MANE Select); coding-DNA position 324, A replaced by T.
Protein change: p.Arg108Ser; replaces arginine 108 with serine.
Molecular consequence: missense variant. On other transcripts: intron variant (1).
Genome position (GRCh38, 1-based): chr7:55,143,388, A>T. VCF-style: chr7-55143388-A-T. GRCh37 (hg19) VCF-style: chr7-55211081-A-T.
Other names: c.324A>T, p.Arg108Ser (NM_001346897.2, NM_001346898.2, NM_001346899.2 and 3 more transcripts); c.165A>T, p.Arg55Ser (NM_001346900.2); c.89-12442A>T (NM_001346941.2); short protein forms R108S, R55S.
Identifiers: ClinVar variation 2737542 (VCV002737542.3), dbSNP rs2128927351, ClinGen allele CA367575790.
Genomic context (GRCh38, chr7:55,143,388, plus strand): 5'-TGTCCTCATTGCCCTCAACACAGTGGAGCGAATTCCTTTGGAAAACCTGCAGATCATCAG[A>T]GGAAATATGTACTACGAAAATTCCTATGCCTTAGCAGTCTTATCTAACTATGATGCAAAT-3'
Protein context (NP_005219.2, residues 98-118): RIPLENLQII[Arg108Ser]GNMYYENSYA